The following is an entry in ClinVar:

NM_000271.5(NPC1):c.1947+13G>A

Gene: NPC1 (NPC intracellular cholesterol transporter 1; minus strand). Cytogenetic location: 18q11.2.
Variant type: single nucleotide variant.
Coding change: c.1947+13G>A on transcript NM_000271.5 (MANE Select); 13 bases into the intron after coding-DNA position 1947, G replaced by A.
Molecular consequence: intron variant.
Genome position (GRCh38, 1-based): chr18:23,544,947, C>T on the plus strand (G>A on the coding strand, the complement: NPC1 is on the minus strand). VCF-style: chr18-23544947-C-T. GRCh37 (hg19) VCF-style: chr18-21124911-C-T.
Other names: c.1947+13G>A (NM_000271.4).
Identifiers: ClinVar variation 1536625 (VCV001536625.9), dbSNP rs568769965, ClinGen allele CA297060348.

ClinVar aggregate classification (germline): Likely benign. Review status: criteria provided, multiple submitters, no conflicts (2 of 4 stars). 2 submissions from 2 submitters: Likely benign (2). Last evaluated 2026-01-14.

Conditions:
NPC1-related disorder. Also called: NPC1-related condition.
Niemann-Pick disease, type C1. Also called: NIEMANN-PICK DISEASE, VARIANT TYPE C1; NEUROVISCERAL STORAGE DISEASE WITH VERTICAL SUPRANUCLEAR OPHTHALMOPLEGIA; NIEMANN-PICK DISEASE WITH CHOLESTEROL ESTERIFICATION BLOCK; NIEMANN-PICK DISEASE WITHOUT SPHINGOMYELINASE DEFICIENCY; NIEMANN-PICK DISEASE, CHRONIC NEURONOPATHIC FORM. Identifiers: Orphanet 646, MedGen C3179455, MONDO:0009757, OMIM 257220.

Allele frequency attached by ClinVar (database versions not stated): 1000 Genomes Project 0.00020.
gnomAD v4.1: 78 of 1,359,590 alleles (0.0057%); highest among the groups gnomAD compares: Admixed American, 0.041%; 5 homozygotes.

Submissions (2):

Labcorp Genetics (formerly Invitae), Labcorp
Classification: Likely benign for Niemann-Pick disease, type C1. Last evaluated: 2026-01-14. Review status: criteria provided, single submitter. Criteria: Invitae Variant Classification Sherloc (09022015). Collection method: clinical testing. Allele origin: germline.

PreventionGenetics, part of Exact Sciences
Classification: Likely benign for NPC1-related condition. Last evaluated: 2025-04-25. Review status: criteria provided, single submitter. Criteria: ACMG Guidelines, 2015. Collection method: clinical testing. Allele origin: germline.
Comment: This variant is classified as likely benign based on ACMG/AMP sequence variant interpretation guidelines (Richards et al. 2015 PMID: 25741868, with internal and published modifications).